The following is an entry in ClinVar:

NM_024407.5(NDUFS7):c.32G>A (p.Gly11Asp)

Gene: NDUFS7 (NADH:ubiquinone oxidoreductase core subunit S7; plus strand). Cytogenetic location: 19p13.3.
Variant type: single nucleotide variant.
Coding change: c.32G>A on transcript NM_024407.5 (MANE Select); coding-DNA position 32, G replaced by A.
Protein change: p.Gly11Asp; replaces glycine 11 with aspartic acid.
Molecular consequence: missense variant.
Genome position (GRCh38, 1-based): chr19:1,387,826, G>A. VCF-style: chr19-1387826-G-A. GRCh37 (hg19) VCF-style: chr19-1387825-G-A.
Other names: c.32G>A, p.Gly11Asp (NM_001363602.2); short protein forms G11D.
Identifiers: ClinVar variation 1957094 (VCV001957094.4), dbSNP rs200997964, ClinGen allele CA304056951.

ClinVar aggregate classification (germline): Uncertain significance (1 of 4 stars; one submission).

Submission:

Labcorp Genetics (formerly Invitae), Labcorp
Classification: Uncertain significance. Last evaluated: 2022-05-21. Review status: criteria provided, single submitter. Criteria: Invitae Variant Classification Sherloc (09022015). Collection method: clinical testing. Allele origin: germline.
Comment: In summary, the available evidence is currently insufficient to determine the role of this variant in disease. Therefore, it has been classified as a Variant of Uncertain Significance. Algorithms developed to predict the effect of missense changes on protein structure and function (SIFT, PolyPhen-2, Align-GVGD) all suggest that this variant is likely to be tolerated. This variant has not been reported in the literature in individuals affected with NDUFS7-related conditions. This variant is not present in population databases (gnomAD no frequency). This sequence change replaces glycine, which is neutral and non-polar, with aspartic acid, which is acidic and polar, at codon 11 of the NDUFS7 protein (p.Gly11Asp).